The following is an entry in ClinVar:

NM_019066.5(MAGEL2):c.1840G>A (p.Ala614Thr)

Gene: MAGEL2 (MAGE family member L2; minus strand). Cytogenetic location: 15q11.2.
Variant type: single nucleotide variant.
Coding change: c.1840G>A on transcript NM_019066.5 (MANE Select); coding-DNA position 1840, G replaced by A.
Protein change: p.Ala614Thr; replaces alanine 614 with threonine.
Molecular consequence: missense variant.
Genome position (GRCh38, 1-based): chr15:23,645,903, C>T on the plus strand (G>A on the coding strand, the complement: MAGEL2 is on the minus strand). VCF-style: chr15-23645903-C-T. GRCh37 (hg19) VCF-style: chr15-23891050-C-T.
Other names: short protein forms A614T.
Identifiers: ClinVar variation 3122218 (VCV003122218.3), dbSNP rs1002642056, ClinGen allele CA267659957.
Genomic context (GRCh38, chr15:23,645,903, plus strand): 5'-CCTGGGCAGGCAGGGGCTGCCAGATGTGAGTGGGGGCCTTCTGGGCCTGCCAGGCCAGCG[C>T]CTGTGTCTGCTGCACCTCCTGGAATTCCATTGACGTTGGAATCTCGTGTGGCACCGGGGG-3'
Protein context (NP_061939.3, residues 604-624): MEFQEVQQTQ[Ala614Thr]LAWQAQKAPT

ClinVar aggregate classification (germline): Uncertain significance. Review status: criteria provided, multiple submitters, no conflicts (2 of 4 stars). 3 submissions from 3 submitters: Uncertain significance (3). Last evaluated 2025-04-23.

Conditions:
Inborn genetic diseases. Identifiers: MedGen C0950123, MeSH D030342.
MAGEL2-related disorder. Also called: MAGEL2-related condition.

gnomAD v4.1: 1 of 1,572,664 alleles (0.000064%); highest among the groups gnomAD compares: Middle Eastern, 0.017%; no homozygotes.

Submissions (3):

Labcorp Genetics (formerly Invitae), Labcorp
Classification: Uncertain significance. Last evaluated: 2025-04-23. Review status: criteria provided, single submitter. Criteria: Invitae Variant Classification Sherloc (09022015). Collection method: clinical testing. Allele origin: germline.
Comment: This sequence change replaces alanine, which is neutral and non-polar, with threonine, which is neutral and polar, at codon 614 of the MAGEL2 protein (p.Ala614Thr). This variant is not present in population databases (gnomAD no frequency). This variant has not been reported in the literature in individuals affected with MAGEL2-related conditions. ClinVar contains an entry for this variant (Variation ID: 3122218). Invitae Evidence Modeling of protein sequence and biophysical properties (such as structural, functional, and spatial information, amino acid conservation, physicochemical variation, residue mobility, and thermodynamic stability) indicates that this missense variant is not expected to disrupt MAGEL2 protein function with a negative predictive value of 80%. In summary, the available evidence is currently insufficient to determine the role of this variant in disease. Therefore, it has been classified as a Variant of Uncertain Significance.

PreventionGenetics, part of Exact Sciences
Classification: Uncertain significance for MAGEL2-related condition. Last evaluated: 2024-11-07. Review status: criteria provided, single submitter. Criteria: ACMG Guidelines, 2015. Collection method: clinical testing. Allele origin: germline.
Comment: The MAGEL2 c.1840G>A variant is predicted to result in the amino acid substitution p.Ala614Thr. To our knowledge, this variant has not been reported in the literature or in a large population database (gnomAD), indicating this variant is rare. At this time, the clinical significance of this variant is uncertain due to the absence of conclusive functional and genetic evidence.

Ambry Genetics
Classification: Uncertain significance for Inborn genetic diseases. Last evaluated: 2023-10-30. Review status: criteria provided, single submitter. Criteria: Ambry Variant Classification Scheme 2023. Collection method: clinical testing. Allele origin: germline.